The following is an entry in ClinVar:

ClinVar aggregate classification (germline): Benign/Likely benign. Review status: criteria provided, multiple submitters, no conflicts (2 of 4 stars). 3 submissions from 3 submitters: Benign (1); Likely benign (2). Last evaluated 2025-06-27.

Conditions:
Hereditary cancer-predisposing syndrome. Also called: Hereditary neoplastic syndrome; Tumor predisposition; Neoplastic Syndromes, Hereditary; Hereditary Cancer Syndrome. Identifiers: Orphanet 140162, MedGen C0027672, MeSH D009386, MONDO:0015356.
Familial thoracic aortic aneurysm and aortic dissection (TAAD). Also called: Thoracic aortic aneurysms and dissections. Identifiers: Orphanet 91387, MedGen C4707243, MONDO:0019625.
Juvenile polyposis/hereditary hemorrhagic telangiectasia syndrome (JPHT). Also called: Juvenile Polyposis Syndrome / Hereditary Hemorrhagic Telangiectasia (JPS/HHT); JP/HHT SYNDROME; JUVENILE POLYPOSIS WITH HEREDITARY HEMORRHAGIC TELANGIECTASIA; POLYPOSIS, GENERALIZED JUVENILE, WITH PULMONARY ARTERIOVENOUS MALFORMATION; TELANGIECTASIA, HEREDITARY HEMORRHAGIC, WITH JUVENILE POLYPOSIS COLI. Identifiers: Orphanet 2929, MedGen C1832942, MONDO:0008278, OMIM 175050.

Submissions (3):

Ambry Genetics
Classification: Likely benign for Hereditary cancer-predisposing syndrome; Familial thoracic aortic aneurysm and aortic dissection. Last evaluated: 2025-06-27. Review status: criteria provided, single submitter. Criteria: Ambry Variant Classification Scheme 2023. Collection method: clinical testing. Allele origin: germline.

Myriad Genetics, Inc.
Classification: Benign for Juvenile polyposis/hereditary hemorrhagic telangiectasia syndrome. Last evaluated: 2025-03-21. Review status: criteria provided, single submitter. Criteria: Myriad Autosomal Dominant, Autosomal Recessive and X-Linked Classification Criteria (2023). Collection method: clinical testing. Allele origin: unknown.
Comment: This variant is considered benign. This variant is a silent/synonymous amino acid change and it is not expected to impact splicing.

Color Diagnostics, LLC DBA Color Health
Classification: Likely benign for Hereditary cancer-predisposing syndrome. Last evaluated: 2017-09-16. Review status: criteria provided, single submitter. Criteria: ACMG Guidelines, 2015. Collection method: clinical testing. Allele origin: germline.

NM_005359.6(SMAD4):c.1173T>C (p.Cys391=)

Gene: SMAD4 (SMAD family member 4; plus strand). Cytogenetic location: 18q21.2.
Variant type: single nucleotide variant.
Coding change: c.1173T>C on transcript NM_005359.6 (MANE Select); coding-DNA position 1173, T replaced by C.
Protein change: p.Cys391=; no amino-acid change (cysteine 391 retained).
Molecular consequence: synonymous variant.
Genome position (GRCh38, 1-based): chr18:51,067,052, T>C. VCF-style: chr18-51067052-T-C. GRCh37 (hg19) VCF-style: chr18-48593422-T-C.
Identifiers: ClinVar variation 492463 (VCV000492463.5), dbSNP rs1555686601, ClinGen allele CA503874222.